The following is an entry in ClinVar:

NM_004946.3(DOCK2):c.3350G>C (p.Cys1117Ser)

Gene: DOCK2 (dedicator of cytokinesis 2; plus strand). Cytogenetic location: 5q35.1.
Variant type: single nucleotide variant.
Coding change: c.3350G>C on transcript NM_004946.3 (MANE Select); coding-DNA position 3350, G replaced by C.
Protein change: p.Cys1117Ser; replaces cysteine 1117 with serine.
Molecular consequence: missense variant. On other transcripts: non-coding transcript variant (1).
Genome position (GRCh38, 1-based): chr5:170,019,077, G>C. VCF-style: chr5-170019077-G-C. GRCh37 (hg19) VCF-style: chr5-169446081-G-C.
Other names: c.3350G>C (NM_004946.2); short protein forms C1117S.
Identifiers: ClinVar variation 3021079 (VCV003021079.4), dbSNP rs1755632758, ClinGen allele CA362105372.

ClinVar aggregate classification (germline): Uncertain significance. Review status: criteria provided, multiple submitters, no conflicts (2 of 4 stars). 2 submissions from 2 submitters: Uncertain significance (2). Last evaluated 2024-06-19.

Conditions:
DOCK2 deficiency. Also called: Immunodeficiency 40. Identifiers: Orphanet 447737, MedGen C4225328, MONDO:0014637, OMIM 616433.
Inborn genetic diseases. Identifiers: MedGen C0950123, MeSH D030342.

Allele frequency attached by ClinVar (database versions not stated): TOPMed 0.00001.

Submissions (2):

Ambry Genetics
Classification: Uncertain significance for Inborn genetic diseases. Last evaluated: 2024-06-19. Review status: criteria provided, single submitter. Criteria: Ambry Variant Classification Scheme 2023. Collection method: clinical testing. Allele origin: germline.

Labcorp Genetics (formerly Invitae), Labcorp
Classification: Uncertain significance for DOCK2 deficiency. Last evaluated: 2023-08-27. Review status: criteria provided, single submitter. Criteria: Invitae Variant Classification Sherloc (09022015). Collection method: clinical testing. Allele origin: germline.
Comment: This sequence change replaces cysteine, which is neutral and slightly polar, with serine, which is neutral and polar, at codon 1117 of the DOCK2 protein (p.Cys1117Ser). This variant is not present in population databases (gnomAD no frequency). This variant has not been reported in the literature in individuals affected with DOCK2-related conditions. An algorithm developed to predict the effect of missense changes on protein structure and function (PolyPhen-2) suggests that this variant is likely to be disruptive. In summary, the available evidence is currently insufficient to determine the role of this variant in disease. Therefore, it has been classified as a Variant of Uncertain Significance.